The following is an entry in ClinVar:

NM_000540.3(RYR1):c.2942C>T (p.Thr981Met)

Gene: RYR1 (ryanodine receptor 1; plus strand). Cytogenetic location: 19q13.2.
Variant type: single nucleotide variant.
Coding change: c.2942C>T on transcript NM_000540.3 (MANE Select); coding-DNA position 2942, C replaced by T.
Protein change: p.Thr981Met; replaces threonine 981 with methionine.
Molecular consequence: missense variant.
Genome position (GRCh38, 1-based): chr19:38,466,162, C>T. VCF-style: chr19-38466162-C-T. GRCh37 (hg19) VCF-style: chr19-38956802-C-T.
Other names: c.2942C>T, p.Thr981Met (NM_001042723.2); short protein forms T981M.
Identifiers: ClinVar variation 3070588 (VCV003070588.1), dbSNP rs541750731, ClinGen allele CA405634756.

ClinVar aggregate classification (germline): Uncertain significance (1 of 4 stars; one submission).

Conditions:
Malignant hyperthermia, susceptibility to, 1 (MHS1). Also called: Anesthesia related hyperthermia; Malignant hyperpyrexia; Fulminating hyperpyrexia; Pharmacogenic myopathy; RYR1-Related Malignant Hyperthermia Susceptibility; Malignant hyperthermia suceptibility 1. Identifiers: Orphanet 423, MedGen C2930980, MONDO:0007783, OMIM 145600.

Allele frequency attached by ClinVar (database versions not stated): gnomAD exomes below 0.00001; TOPMed below 0.00001.
gnomAD v4.1: 5 of 1,613,580 alleles (0.00031%); highest among the groups gnomAD compares: South Asian, 0.0044%; no homozygotes.

Submission:

All of Us Research Program, National Institutes of Health
Classification: Uncertain significance for Malignant hyperthermia, susceptibility to, 1. Last evaluated: 2023-04-27. Review status: criteria provided, single submitter. Criteria: ACMG Guidelines, 2015. Collection method: clinical testing. Allele origin: germline. Inheritance: Autosomal dominant inheritance. Observed: 1 variant allele, 1 heterozygote.
Comment: This study involves interpretation of variants in research participants for the purpose of population health screening. Participant phenotype was not available at the time of variant classification. Additional details can be found in publication PMID: 35346344, PMCID: PMC8962531